The following is an entry in ClinVar:

NM_006031.6(PCNT):c.6722G>A (p.Ser2241Asn)

Gene: PCNT (pericentrin; plus strand). Cytogenetic location: 21q22.3.
Variant type: single nucleotide variant.
Coding change: c.6722G>A on transcript NM_006031.6 (MANE Select); coding-DNA position 6722, G replaced by A.
Protein change: p.Ser2241Asn; replaces serine 2241 with asparagine.
Molecular consequence: missense variant.
Genome position (GRCh38, 1-based): chr21:46,416,640, G>A. VCF-style: chr21-46416640-G-A. GRCh37 (hg19) VCF-style: chr21-47836554-G-A.
Other names: c.6368G>A, p.Ser2123Asn (NM_001315529.2); short protein forms S2241N, S2123N.
Identifiers: ClinVar variation 159640 (VCV000159640.11), dbSNP rs142402562, ClinGen allele CA251096.
Genomic context (GRCh38, chr21:46,416,640, plus strand): 5'-TGTCTTCCTGGAGCTCCCCTGAGGTCCTCAGGAAGGACTGGACCCTGGAGCCCTGGCCCA[G>A]CCTCCCCGTGACACCCCACTCAGGAGCCCTGAGCCTGTGCAGTGCCGACACATCCCTGGG-3'
Protein context (NP_006022.3, residues 2231-2251): RKDWTLEPWP[Ser2241Asn]LPVTPHSGAL

ClinVar aggregate classification (germline): Uncertain significance. Review status: criteria provided, multiple submitters, no conflicts (2 of 4 stars). 3 submissions from 3 submitters: Uncertain significance (2). 1 of the submissions does not count toward it. Last evaluated 2021-11-16.

Conditions:
PCNT-related disorder. Also called: PCNT-related condition.
Microcephalic osteodysplastic primordial dwarfism type II (MOPD2). Also called: Microcephalic osteodysplastic primordial dwarfism with tooth abnormalities; MOPD II; OSTEODYSPLASTIC PRIMORDIAL DWARFISM, TYPE II. Identifiers: Orphanet 2637, MedGen C0432246, MONDO:0008872, OMIM 210720.

Allele frequency attached by ClinVar (database versions not stated): gnomAD exomes 0.00001 and 0.00003; ESP Exome Variant Server 0.00015; gnomAD 0.00015 and 0.00016; 1000 Genomes Project 30x 0.00016; 1000 Genomes Project 0.00020; ExAC 0.00006; TOPMed 0.00011.
gnomAD v4.1: 34 of 1,567,856 alleles (0.0022%); highest among the groups gnomAD compares: African/African-American, 0.045%; no homozygotes.

Submissions (3):

Labcorp Genetics (formerly Invitae), Labcorp
Classification: Uncertain significance. Last evaluated: 2021-11-16. Review status: criteria provided, single submitter. Criteria: Invitae Variant Classification Sherloc (09022015). Collection method: clinical testing. Allele origin: germline.
Comment: This sequence change replaces serine, which is neutral and polar, with asparagine, which is neutral and polar, at codon 2241 of the PCNT protein (p.Ser2241Asn). This variant is present in population databases (rs142402562, gnomAD 0.06%). This variant has not been reported in the literature in individuals affected with PCNT-related conditions. ClinVar contains an entry for this variant (Variation ID: 159640). Algorithms developed to predict the effect of missense changes on protein structure and function output the following: SIFT: "Tolerated"; PolyPhen-2: "Possibly Damaging"; Align-GVGD: "Class C0". The asparagine amino acid residue is found in multiple mammalian species, which suggests that this missense change does not adversely affect protein function. In summary, the available evidence is currently insufficient to determine the role of this variant in disease. Therefore, it has been classified as a Variant of Uncertain Significance.

Genetic Services Laboratory, University of Chicago
Classification: Uncertain significance for Microcephalic osteodysplastic primordial dwarfism, type II. Last evaluated: 2013-02-08. Review status: criteria provided, single submitter. Criteria: ACMG Guidelines, 2007. Collection method: clinical testing. Allele origin: germline. Inheritance: Autosomal recessive inheritance.

PreventionGenetics, part of Exact Sciences
Classification: Uncertain significance for PCNT-related condition. Last evaluated: 2024-01-02. Review status: no assertion criteria provided. Collection method: clinical testing. Allele origin: germline. Not counted in ClinVar's aggregate classification.
Comment: The PCNT c.6722G>A variant is predicted to result in the amino acid substitution p.Ser2241Asn. To our knowledge, this variant has not been reported in the literature. This variant is reported in 0.059% of alleles in individuals of African descent in gnomAD, which may be too frequent to be a primary cause of disease. Although we suspect that this variant may be benign, the clinical significance of this variant is currently classified as uncertain due to the absence of conclusive functional and genetic evidence.